The following is an entry in ClinVar:

ClinVar aggregate classification (germline): Conflicting classifications of pathogenicity. Review status: criteria provided, conflicting classifications (1 of 4 stars). 3 submissions from 3 submitters: Likely pathogenic (1); Uncertain significance (1). 1 of the submissions does not count toward it. Last evaluated 2024-03-08.

Conditions:
Propionic acidemia (PROP). Also called: GLYCINEMIA, KETOTIC; HYPERGLYCINEMIA WITH KETOACIDOSIS AND LEUKOPENIA; KETOTIC HYPERGLYCINEMIA. Identifiers: Orphanet 35, MedGen C0268579, MONDO:0011628, OMIM 606054, HP:0003571.

Allele frequency attached by ClinVar (database versions not stated): gnomAD exomes below 0.00001; gnomAD 0.00001; TOPMed 0.00002.
gnomAD v4.1: 8 of 1,614,034 alleles (0.0005%); highest among the groups gnomAD compares: Non-Finnish European, 0.00068%; no homozygotes.

Submissions (3):

Women's Health and Genetics/Laboratory Corporation of America, LabCorp
Classification: Uncertain significance. Last evaluated: 2024-03-08. Review status: criteria provided, single submitter. Criteria: LabCorp Variant Classification Summary - May 2015. Collection method: clinical testing. Allele origin: germline.
Comment: Variant summary: PCCA c.1997T>A (p.Met666Lys) results in a non-conservative amino acid change located in the Biotin/lipoyl attachment domain (IPR000089) of the encoded protein sequence. Four of five in-silico tools predict a damaging effect of the variant on protein function. The variant allele was found at a frequency of 4e-06 in 251450 control chromosomes. The available data on variant occurrences in the general population are insufficient to allow any conclusion about variant significance. c.1997T>A has been reported in the literature in at-least one individual affected with Propionic Acidemia including subsequent non-primary citations of this finding (example, Desviat_2006, Barends_2014). These data do not allow any conclusion about variant significance. To our knowledge, no experimental evidence demonstrating an impact on protein function has been reported. The following publications have been ascertained in the context of this evaluation (PMID: 25047749, 27900673, 17051315, 20725044, 37482098). ClinVar contains an entry for this variant (Variation ID: 558610). Based on the evidence outlined above, the variant was classified as uncertain significance.

Baylor Genetics
Classification: Likely pathogenic for Propionic acidemia. Last evaluated: 2023-10-29. Review status: criteria provided, single submitter. Criteria: ACMG Guidelines, 2015. Collection method: clinical testing. Allele origin: unknown.

Counsyl
Classification: Uncertain significance for Propionic acidemia. Last evaluated: 2018-06-04. Review status: no assertion criteria provided. Collection method: clinical testing. Allele origin: unknown. Not counted in ClinVar's aggregate classification.

Literature cited by the submitters: PubMed 20725044 (cited by Women's Health and Genetics/Laboratory Corporation of America, LabCorp); PubMed 25047749 (cited by Women's Health and Genetics/Laboratory Corporation of America, LabCorp and Counsyl); PubMed 17051315 (cited by Women's Health and Genetics/Laboratory Corporation of America, LabCorp); PubMed 27900673 (cited by Women's Health and Genetics/Laboratory Corporation of America, LabCorp); PubMed 37482098 (cited by Women's Health and Genetics/Laboratory Corporation of America, LabCorp).

NM_000282.4(PCCA):c.1997T>A (p.Met666Lys)

Gene: PCCA (propionyl-CoA carboxylase subunit alpha; plus strand). Cytogenetic location: 13q32.3.
Variant type: single nucleotide variant.
Coding change: c.1997T>A on transcript NM_000282.4 (MANE Select); coding-DNA position 1997, T replaced by A.
Protein change: p.Met666Lys; replaces methionine 666 with lysine.
Molecular consequence: missense variant. On other transcripts: non-coding transcript variant (4), intron variant (2).
Genome position (GRCh38, 1-based): chr13:100,515,524, T>A. VCF-style: chr13-100515524-T-A. GRCh37 (hg19) VCF-style: chr13-101167778-T-A.
Other names: c.1919T>A, p.Met640Lys (NM_001127692.3); c.1943T>A, p.Met648Lys (NM_001352605.2); c.1853T>A, p.Met618Lys (NM_001352606.2); c.1775T>A, p.Met592Lys (NM_001352608.2); c.1052T>A, p.Met351Lys (NM_001352610.2); c.998T>A, p.Met333Lys (NM_001352611.2); c.908T>A, p.Met303Lys (NM_001352612.2); c.1900-12151T>A (NM_001178004.2); and 1 more; short protein forms M666K, M592K, M640K, M648K, M303K, M333K, M351K, M618K.
Identifiers: ClinVar variation 558610 (VCV000558610.5), dbSNP rs999241357, ClinGen allele CA255366731.